The following is an entry in ClinVar:

NM_014244.5(ADAMTS2):c.100_101insGACATCACAG (p.Pro34fs)

Gene: ADAMTS2 (ADAM metallopeptidase with thrombospondin type 1 motif 2; minus strand). Cytogenetic location: 5q35.3.
Variant type: Insertion.
Coding change: c.100_101insGACATCACAG on transcript NM_014244.5 (MANE Select); coding-DNA positions 100 to 101, GACATCACAG inserted.
Protein change: p.Pro34fs; shifts the reading frame from proline 34.
Molecular consequence: frameshift variant.
Genome position: GRCh38 VCF-style: chr5-179345228-G-GCTGTGATGTC. GRCh37 (hg19) VCF-style: chr5-178772229-G-GCTGTGATGTC.
Other names: c.100_101insGACATCACAG, p.Pro34fs (NM_021599.4); short protein forms P34fs.
Identifiers: ClinVar variation 5010655 (VCV005010655.1).

ClinVar aggregate classification (germline): Pathogenic (1 of 4 stars; one submission).

Conditions:
Ehlers-Danlos syndrome, dermatosparaxis type. Also called: EDS VIIC; Dermatosparaxis; Ehlers-Danlos syndrome, type VII, autosomal recessive. Identifiers: Orphanet 1901, MedGen C2700425, MONDO:0009161, OMIM 225410.

Submission:

Myriad Genetics, Inc.
Classification: Pathogenic for Ehlers-Danlos syndrome, dermatosparaxis type. Last evaluated: 2024-05-14. Review status: criteria provided, single submitter. Criteria: Myriad Autosomal Dominant, Autosomal Recessive and X-Linked Classification Criteria (2023). Collection method: clinical testing. Allele origin: unknown.
Comment: NM_014244.4(ADAMTS2):c.100_101ins10(P34Rfs*35) is expected to be pathogenic in the context of Ehlers-Danlos syndrome, ADAMTS2-related. This variant is predicted to lead to an abnormal or absent protein product due to the creation of a premature termination codon in ADAMTS2, a gene where loss-of-function variants are known to be pathogenic. Please note: this variant was assessed in the context of healthy population screening.